The following is an entry in ClinVar:

ClinVar aggregate classification (germline): Uncertain significance (1 of 4 stars; one submission).

Allele frequency attached by ClinVar (database versions not stated): TOPMed below 0.00001.

Submission:

Labcorp Genetics (formerly Invitae), Labcorp
Classification: Uncertain significance. Last evaluated: 2023-06-13. Review status: criteria provided, single submitter. Criteria: Invitae Variant Classification Sherloc (09022015). Collection method: clinical testing. Allele origin: germline.
Comment: In summary, the available evidence is currently insufficient to determine the role of this variant in disease. Therefore, it has been classified as a Variant of Uncertain Significance. Advanced modeling of protein sequence and biophysical properties (such as structural, functional, and spatial information, amino acid conservation, physicochemical variation, residue mobility, and thermodynamic stability) performed at Invitae indicates that this missense variant is not expected to disrupt KRT10 protein function. This variant has not been reported in the literature in individuals affected with KRT10-related conditions. The frequency data for this variant in the population databases is considered unreliable, as metrics indicate poor data quality at this position in the gnomAD database. This sequence change replaces arginine, which is basic and polar, with histidine, which is basic and polar, at codon 464 of the KRT10 protein (p.Arg464His).

NM_000421.5(KRT10):c.1391G>A (p.Arg464His)

Gene: KRT10 (keratin 10; minus strand). Cytogenetic location: 17q21.2.
Variant type: single nucleotide variant.
Coding change: c.1391G>A on transcript NM_000421.5 (MANE Select); coding-DNA position 1391, G replaced by A.
Protein change: p.Arg464His; replaces arginine 464 with histidine.
Molecular consequence: missense variant.
Genome position (GRCh38, 1-based): chr17:40,819,144, C>T on the plus strand (G>A on the coding strand, the complement: KRT10 is on the minus strand). VCF-style: chr17-40819144-C-T. GRCh37 (hg19) VCF-style: chr17-38975396-C-T.
Other names: c.1391G>A, p.Arg464His (NM_001379366.1); short protein forms R464H.
Identifiers: ClinVar variation 2959532 (VCV002959532.3), dbSNP rs1250525349, ClinGen allele CA399390106.